The following is an entry in ClinVar:

NM_003922.4(HERC1):c.6788G>A (p.Ser2263Asn)

Gene: HERC1 (HECT and RLD domain containing E3 ubiquitin protein ligase family member 1; minus strand). Cytogenetic location: 15q22.31.
Variant type: single nucleotide variant.
Coding change: c.6788G>A on transcript NM_003922.4 (MANE Select); coding-DNA position 6788, G replaced by A.
Protein change: p.Ser2263Asn; replaces serine 2263 with asparagine.
Molecular consequence: missense variant.
Genome position (GRCh38, 1-based): chr15:63,678,127, C>T on the plus strand (G>A on the coding strand, the complement: HERC1 is on the minus strand). VCF-style: chr15-63678127-C-T. GRCh37 (hg19) VCF-style: chr15-63970326-C-T.
Other names: short protein forms S2263N.
Identifiers: ClinVar variation 1192225 (VCV001192225.5), dbSNP rs200964205, ClinGen allele CA7605278.

ClinVar aggregate classification (germline): Uncertain significance. Review status: criteria provided, multiple submitters, no conflicts (2 of 4 stars). 3 submissions from 3 submitters: Uncertain significance (3). Last evaluated 2025-03-04.

Allele frequency attached by ClinVar (database versions not stated): 1000 Genomes Project 30x 0.00016; gnomAD exomes 0.00018 and 0.00049; 1000 Genomes Project 0.00020; ExAC 0.00020; gnomAD 0.00024 and 0.00027; TOPMed 0.00030; ESP Exome Variant Server 0.00042.
gnomAD v4.1: 788 of 1,614,002 alleles (0.049%); highest among the groups gnomAD compares: Non-Finnish European, 0.061%; 1 homozygote.

Submissions (3):

GeneDx
Classification: Uncertain significance. Last evaluated: 2025-03-04. Review status: criteria provided, single submitter. Criteria: GeneDx Variant Classification Process June 2021. Collection method: clinical testing. Allele origin: germline. Affected: yes.
Comment: In silico analysis indicates that this missense variant does not alter protein structure/function; Has not been previously published in association with a HERC1-related disorder to our knowledge; This variant is associated with the following publications: (PMID: 33526774)

Labcorp Genetics (formerly Invitae), Labcorp
Classification: Uncertain significance. Last evaluated: 2024-10-07. Review status: criteria provided, single submitter. Criteria: Invitae Variant Classification Sherloc (09022015). Collection method: clinical testing. Allele origin: germline.
Comment: This sequence change replaces serine, which is neutral and polar, with asparagine, which is neutral and polar, at codon 2263 of the HERC1 protein (p.Ser2263Asn). This variant is present in population databases (rs200964205, gnomAD 0.03%). This variant has not been reported in the literature in individuals affected with HERC1-related conditions. ClinVar contains an entry for this variant (Variation ID: 1192225). Invitae Evidence Modeling of protein sequence and biophysical properties (such as structural, functional, and spatial information, amino acid conservation, physicochemical variation, residue mobility, and thermodynamic stability) indicates that this missense variant is not expected to disrupt HERC1 protein function with a negative predictive value of 80%. In summary, the available evidence is currently insufficient to determine the role of this variant in disease. Therefore, it has been classified as a Variant of Uncertain Significance.

Women's Health and Genetics/Laboratory Corporation of America, LabCorp
Classification: Uncertain significance. Last evaluated: 2021-07-20. Review status: criteria provided, single submitter. Criteria: LabCorp Variant Classification Summary - May 2015. Collection method: clinical testing. Allele origin: germline.
Comment: Variant summary: HERC1 c.6788G>A (p.Ser2263Asn) results in a conservative amino acid change in the encoded protein sequence. Three of five in-silico tools predict a benign effect of the variant on protein function. The variant allele was found at a frequency of 0.00018 in 248972 control chromosomes (gnomAD). c.6788G>A has not, to our knowledge, been reported in the literature in individuals affected with Macrocephaly, Dysmorphic Facies, and Psychomotor Retardation. To our knowledge, no experimental evidence demonstrating an impact on protein function has been reported. No clinical diagnostic laboratories have submitted clinical-significance assessments for this variant to ClinVar after 2014. Based on the evidence outlined above, the variant was classified as uncertain significance.

Literature cited by the submitters: PubMed 33526774 (cited by Women's Health and Genetics/Laboratory Corporation of America, LabCorp).